The following is an entry in ClinVar:

NM_199069.2(NDUFAF3):c.77+11A>C

Genes: NDUFAF3 (NADH:ubiquinone oxidoreductase complex assembly factor 3; plus strand), LOC129936729 (ATAC-STARR-seq lymphoblastoid silent region 14349; plus strand). Cytogenetic location: 3p21.31.
Variant type: single nucleotide variant.
Coding change: c.77+11A>C on transcript NM_199069.2 (MANE Select); 11 bases into the intron after coding-DNA position 77, A replaced by C.
Molecular consequence: intron variant.
Genome position (GRCh38, 1-based): chr3:49,022,232, A>C. VCF-style: chr3-49022232-A-C. GRCh37 (hg19) VCF-style: chr3-49059665-A-C.
Other names: c.-94-114A>C (NM_199074.2, NM_199073.2, NM_199070.2).
Identifiers: ClinVar variation 517003 (VCV000517003.4), dbSNP rs770067025, ClinGen allele CA2390155.

ClinVar aggregate classification (germline): Likely benign. Review status: criteria provided, multiple submitters, no conflicts (2 of 4 stars). 2 submissions from 2 submitters: Likely benign (2). Last evaluated 2025-12-08.

Allele frequency attached by ClinVar (database versions not stated): ExAC 0.00002; gnomAD exomes 0.00003; gnomAD 0.00012; 1000 Genomes Project 30x 0.00016.

Submissions (2):

Labcorp Genetics (formerly Invitae), Labcorp
Classification: Likely benign. Last evaluated: 2025-12-08. Review status: criteria provided, single submitter. Criteria: Invitae Variant Classification Sherloc (09022015). Collection method: clinical testing. Allele origin: germline.

GeneDx
Classification: Likely benign. Last evaluated: 2017-12-13. Review status: criteria provided, single submitter. Criteria: GeneDx Variant Classification (06012015). Collection method: clinical testing. Allele origin: germline. Affected: yes.
Comment: This variant is considered likely benign or benign based on one or more of the following criteria: it is a conservative change, it occurs at a poorly conserved position in the protein, it is predicted to be benign by multiple in silico algorithms, and/or has population frequency not consistent with disease.